The following is an entry in ClinVar:

NM_022773.4(LMF1):c.416T>C (p.Phe139Ser)

Gene: LMF1 (lipase maturation factor 1; minus strand). Cytogenetic location: 16p13.3.
Variant type: single nucleotide variant.
Coding change: c.416T>C on transcript NM_022773.4 (MANE Select); coding-DNA position 416, T replaced by C.
Protein change: p.Phe139Ser; replaces phenylalanine 139 with serine.
Molecular consequence: missense variant. On other transcripts: 5 prime UTR variant (3), non-coding transcript variant (1).
Genome position (GRCh38, 1-based): chr16:954,444, A>G on the plus strand (T>C on the coding strand, the complement: LMF1 is on the minus strand). VCF-style: chr16-954444-A-G. GRCh37 (hg19) VCF-style: chr16-1004444-A-G.
Other names: c.-388T>C (NM_001352017.2); c.-139T>C (NM_001352018.2); c.89T>C, p.Phe30Ser (NM_001352019.2); c.416T>C, p.Phe139Ser (NM_001352020.1); c.-290T>C (NM_001352021.2); short protein forms F30S, F139S.
Identifiers: ClinVar variation 5023603 (VCV005023603.1).

ClinVar aggregate classification (germline): Uncertain significance (1 of 4 stars; one submission).

Conditions:
Cardiovascular phenotype. Identifiers: MedGen CN230736.

Submission:

Ambry Genetics
Classification: Uncertain significance for Cardiovascular phenotype. Last evaluated: 2026-08-29. Review status: criteria provided, single submitter. Criteria: Ambry Variant Classification Scheme 2023. Collection method: clinical testing. Allele origin: germline.
Comment: The p.F139S variant (also known as c.416T>C), located in coding exon 2 of the LMF1 gene, results from a T to C substitution at nucleotide position 416. The phenylalanine at codon 139 is replaced by serine, an amino acid with highly dissimilar properties. This amino acid position is conserved. In addition, the in silico prediction for this alteration is inconclusive. Based on the available evidence, the clinical significance of this variant remains unclear.